The following is an entry in ClinVar:

NM_015999.6(ADIPOR1):c.35G>A (p.Gly12Glu)

Gene: ADIPOR1 (adiponectin receptor 1; minus strand). Cytogenetic location: 1q32.1.
Variant type: single nucleotide variant.
Coding change: c.35G>A on transcript NM_015999.6 (MANE Select); coding-DNA position 35, G replaced by A.
Protein change: p.Gly12Glu; replaces glycine 12 with glutamic acid.
Molecular consequence: missense variant.
Genome position (GRCh38, 1-based): chr1:202,951,036, C>T on the plus strand (G>A on the coding strand, the complement: ADIPOR1 is on the minus strand). VCF-style: chr1-202951036-C-T. GRCh37 (hg19) VCF-style: chr1-202920164-C-T.
Other names: c.35G>A, p.Gly12Glu (NM_001290553.2, NM_001290557.1, NM_001290629.1); short protein forms G12E.
Identifiers: ClinVar variation 1042423 (VCV001042423.6), dbSNP rs372656012, ClinGen allele CA1336046.

ClinVar aggregate classification (germline): Uncertain significance (1 of 4 stars; one submission).

Allele frequency attached by ClinVar (database versions not stated): gnomAD exomes 0.00002 and 0.00012; TOPMed 0.00002; ExAC 0.00003; gnomAD 0.00003 and 0.00004; ESP Exome Variant Server 0.00008.
gnomAD v4.1: 181 of 1,614,060 alleles (0.011%); highest among the groups gnomAD compares: Non-Finnish European, 0.015%; no homozygotes.

Submission:

Labcorp Genetics (formerly Invitae), Labcorp
Classification: Uncertain significance. Last evaluated: 2025-09-02. Review status: criteria provided, single submitter. Criteria: Invitae Variant Classification Sherloc (09022015). Collection method: clinical testing. Allele origin: germline.
Comment: This sequence change replaces glycine, which is neutral and non-polar, with glutamic acid, which is acidic and polar, at codon 12 of the ADIPOR1 protein (p.Gly12Glu). This variant is present in population databases (rs372656012, gnomAD 0.006%). This variant has not been reported in the literature in individuals affected with ADIPOR1-related conditions. ClinVar contains an entry for this variant (Variation ID: 1042423). An algorithm developed to predict the effect of missense changes on protein structure and function (PolyPhen-2) suggests that this variant is likely to be tolerated. In summary, the available evidence is currently insufficient to determine the role of this variant in disease. Therefore, it has been classified as a Variant of Uncertain Significance.